The following is an entry in ClinVar:

ClinVar aggregate classification (germline): Likely benign. Review status: criteria provided, multiple submitters, no conflicts (2 of 4 stars). 2 submissions from 2 submitters: Likely benign (2). Last evaluated 2024-10-07.

Conditions:
Early-infantile DEE. Also called: Ohtahara syndrome; Early infantile epileptic encephalopathy; Early infantile epileptic encephalopathy with suppression bursts. Identifiers: Orphanet 1934, MedGen C0393706, MONDO:0800491.

Allele frequency attached by ClinVar (database versions not stated): gnomAD exomes below 0.00001; TOPMed 0.00001; gnomAD 0.00002.
gnomAD v4.1: 9 of 1,614,040 alleles (0.00056%); highest among the groups gnomAD compares: Non-Finnish European, 0.00076%; no homozygotes.

Submissions (2):

Labcorp Genetics (formerly Invitae), Labcorp
Classification: Likely benign for Early-infantile DEE. Last evaluated: 2024-10-07. Review status: criteria provided, single submitter. Criteria: Invitae Variant Classification Sherloc (09022015). Collection method: clinical testing. Allele origin: germline.

CeGaT Center for Human Genetics Tuebingen
Classification: Likely benign. Last evaluated: 2022-07-01. Review status: criteria provided, single submitter. Criteria: CeGaT Center For Human Genetics Tuebingen Variant Classification Criteria Version 2. Collection method: clinical testing. Allele origin: germline. Affected: yes. Observed: 1 variant allele.
Comment: SCN1A: BP4, BP7

NM_001165963.4(SCN1A):c.1980T>G (p.Pro660=)

Gene: SCN1A (sodium voltage-gated channel alpha subunit 1; minus strand). Cytogenetic location: 2q24.3.
Variant type: single nucleotide variant.
Coding change: c.1980T>G on transcript NM_001165963.4 (MANE Select); coding-DNA position 1980, T replaced by G.
Protein change: p.Pro660=; no amino-acid change (proline 660 retained).
Molecular consequence: synonymous variant. On other transcripts: 5 prime UTR variant (1), non-coding transcript variant (1), intron variant (4).
Genome position (GRCh38, 1-based): chr2:166,043,732, A>C on the plus strand (T>G on the coding strand, the complement: SCN1A is on the minus strand). VCF-style: chr2-166043732-A-C. GRCh37 (hg19) VCF-style: chr2-166900242-A-C.
Other names: c.1980T>G, p.Pro660= (NM_001202435.3, NM_001353948.2, NM_001353949.2 and 4 more transcripts); c.1977T>G, p.Pro659= (NM_001353954.2, NM_001353955.2); c.-446T>G (NM_001353961.2); c.1959+21T>G (NM_001353958.2, NM_001353957.2, NM_001165964.3); c.1956+21T>G (NM_001353960.2).
Identifiers: ClinVar variation 1641629 (VCV001641629.39), dbSNP rs1379958414, ClinGen allele CA429976517.